The following is an entry in ClinVar:

NM_001197104.2(KMT2A):c.7301A>T (p.Lys2434Ile)

Gene: KMT2A (lysine methyltransferase 2A; plus strand). Cytogenetic location: 11q23.3.
Variant type: single nucleotide variant.
Coding change: c.7301A>T on transcript NM_001197104.2 (MANE Select); coding-DNA position 7301, A replaced by T.
Protein change: p.Lys2434Ile; replaces lysine 2434 with isoleucine.
Molecular consequence: missense variant.
Genome position (GRCh38, 1-based): chr11:118,503,193, A>T. VCF-style: chr11-118503193-A-T. GRCh37 (hg19) VCF-style: chr11-118373908-A-T.
Other names: c.7292A>T, p.Lys2431Ile (NM_005933.4); short protein forms K2431I, K2434I.
Identifiers: ClinVar variation 1507315 (VCV001507315.8), dbSNP rs2134391046, ClinGen allele CA382805030.

ClinVar aggregate classification (germline): Uncertain significance (1 of 4 stars; one submission).

Submission:

Labcorp Genetics (formerly Invitae), Labcorp
Classification: Uncertain significance. Last evaluated: 2021-05-19. Review status: criteria provided, single submitter. Criteria: Invitae Variant Classification Sherloc (09022015). Collection method: clinical testing. Allele origin: germline.
Comment: Advanced modeling of protein sequence and biophysical properties (such as structural, functional, and spatial information, amino acid conservation, physicochemical variation, residue mobility, and thermodynamic stability) performed at Invitae indicates that this missense variant is not expected to disrupt KMT2A protein function. This variant has not been reported in the literature in individuals with KMT2A-related conditions. This variant is not present in population databases (ExAC no frequency). This sequence change replaces lysine with isoleucine at codon 2434 of the KMT2A protein (p.Lys2434Ile). The lysine residue is weakly conserved and there is a moderate physicochemical difference between lysine and isoleucine. In summary, the available evidence is currently insufficient to determine the role of this variant in disease. Therefore, it has been classified as a Variant of Uncertain Significance.